The following is an entry in ClinVar:

ClinVar aggregate classification (germline): Uncertain significance. Review status: criteria provided, multiple submitters, no conflicts (2 of 4 stars). 2 submissions from 2 submitters: Uncertain significance (2). Last evaluated 2023-10-30.

Allele frequency attached by ClinVar (database versions not stated): gnomAD exomes 0.00001; gnomAD 0.00006; TOPMed 0.00019.
gnomAD v4.1: 17 of 1,614,092 alleles (0.0011%); highest among the groups gnomAD compares: Admixed American, 0.025%; no homozygotes.

Submissions (2):

Ambry Genetics
Classification: Uncertain significance. Last evaluated: 2023-10-30. Review status: criteria provided, single submitter. Criteria: Ambry Variant Classification Scheme 2023. Collection method: clinical testing. Allele origin: germline.

Labcorp Genetics (formerly Invitae), Labcorp
Classification: Uncertain significance. Last evaluated: 2023-05-20. Review status: criteria provided, single submitter. Criteria: Invitae Variant Classification Sherloc (09022015). Collection method: clinical testing. Allele origin: germline.
Comment: This sequence change replaces isoleucine, which is neutral and non-polar, with valine, which is neutral and non-polar, at codon 316 of the KLB protein (p.Ile316Val). This variant is present in population databases (no rsID available, gnomAD 0.009%). In summary, the available evidence is currently insufficient to determine the role of this variant in disease. Therefore, it has been classified as a Variant of Uncertain Significance. Advanced modeling of protein sequence and biophysical properties (such as structural, functional, and spatial information, amino acid conservation, physicochemical variation, residue mobility, and thermodynamic stability) performed at Invitae indicates that this missense variant is not expected to disrupt KLB protein function. This variant has not been reported in the literature in individuals affected with KLB-related conditions.

NM_175737.4(KLB):c.946A>G (p.Ile316Val)

Gene: KLB (klotho beta; plus strand). Cytogenetic location: 4p14.
Variant type: single nucleotide variant.
Coding change: c.946A>G on transcript NM_175737.4 (MANE Select); coding-DNA position 946, A replaced by G.
Protein change: p.Ile316Val; replaces isoleucine 316 with valine.
Molecular consequence: missense variant.
Genome position (GRCh38, 1-based): chr4:39,434,330, A>G. VCF-style: chr4-39434330-A-G. GRCh37 (hg19) VCF-style: chr4-39435950-A-G.
Other names: c.946A>G (NM_175737.3); short protein forms I316V.
Identifiers: ClinVar variation 2715503 (VCV002715503.4), dbSNP rs894886656, ClinGen allele CA95702206.